The following is an entry in ClinVar:

NM_021619.3(PRDM12):c.538A>G (p.Ile180Val)

Gene: PRDM12 (PR/SET domain 12; plus strand). Cytogenetic location: 9q34.12.
Variant type: single nucleotide variant.
Coding change: c.538A>G on transcript NM_021619.3 (MANE Select); coding-DNA position 538, A replaced by G.
Protein change: p.Ile180Val; replaces isoleucine 180 with valine.
Molecular consequence: missense variant.
Genome position (GRCh38, 1-based): chr9:130,668,281, A>G. VCF-style: chr9-130668281-A-G. GRCh37 (hg19) VCF-style: chr9-133543668-A-G.
Other names: short protein forms I180V.
Identifiers: ClinVar variation 1445409 (VCV001445409.5), dbSNP rs375684006, ClinGen allele CA5284560.
Genomic context (GRCh38, chr9:130,668,281, plus strand): 5'-TGGATGACCTACATCAAGTGTGCACGTAACGAACAGGAGCAGAACCTGGAGGTGGTCCAG[A>G]TCGGCACCAGCATCTTCTACAAGGCCATTGAGGTGTGTGTGTGTGTGTGCACTGTTGTGT-3'
Protein context (NP_067632.2, residues 170-190): EQEQNLEVVQ[Ile180Val]GTSIFYKAIE

ClinVar aggregate classification (germline): Uncertain significance. Review status: criteria provided, multiple submitters, no conflicts (2 of 4 stars). 2 submissions from 2 submitters: Uncertain significance (2). Last evaluated 2021-08-01.

Conditions:
Inborn genetic diseases. Identifiers: MedGen C0950123, MeSH D030342.
Congenital insensitivity to pain-hypohidrosis syndrome. Also called: HSAN VIII; Neuropathy, hereditary sensory and autonomic, type VIII. Identifiers: Orphanet 478664, MedGen C4225308, MONDO:0014662, OMIM 616488.

Allele frequency attached by ClinVar (database versions not stated): gnomAD 0.00001 and 0.00002; gnomAD exomes 0.00001 and 0.00003; TOPMed 0.00001; ExAC 0.00002; ESP Exome Variant Server 0.00008.
gnomAD v4.1: 25 of 1,613,978 alleles (0.0015%); highest among the groups gnomAD compares: Non-Finnish European, 0.00034%; no homozygotes.

Submissions (2):

Labcorp Genetics (formerly Invitae), Labcorp
Classification: Uncertain significance for Congenital insensitivity to pain-hypohidrosis syndrome. Last evaluated: 2021-08-01. Review status: criteria provided, single submitter. Criteria: Invitae Variant Classification Sherloc (09022015). Collection method: clinical testing. Allele origin: germline.
Comment: This sequence change replaces isoleucine with valine at codon 180 of the PRDM12 protein (p.Ile180Val). The isoleucine residue is highly conserved and there is a small physicochemical difference between isoleucine and valine. This variant is present in population databases (rs375684006, ExAC 0.003%). This variant has not been reported in the literature in individuals affected with PRDM12-related conditions. Algorithms developed to predict the effect of missense changes on protein structure and function are either unavailable or do not agree on the potential impact of this missense change (SIFT: "Deleterious"; PolyPhen-2: "Benign"; Align-GVGD: "Class C0"). Algorithms developed to predict the effect of sequence changes on RNA splicing suggest that this variant may create or strengthen a splice site. In summary, the available evidence is currently insufficient to determine the role of this variant in disease. Therefore, it has been classified as a Variant of Uncertain Significance.

Ambry Genetics
Classification: Uncertain significance for Inborn genetic diseases. Last evaluated: 2020-05-11. Review status: criteria provided, single submitter. Criteria: Ambry Variant Classification Scheme 2023. Collection method: clinical testing. Allele origin: germline.
Comment: The p.I180V variant (also known as c.538A>G), located in coding exon 3 of the PRDM12 gene, results from an A to G substitution at nucleotide position 538. The isoleucine at codon 180 is replaced by valine, an amino acid with highly similar properties. This amino acid position is highly conserved in available vertebrate species. In addition, this alteration is predicted to be tolerated by in silico analysis. Since supporting evidence is limited at this time, the clinical significance of this alteration remains unclear.